The following is an entry in ClinVar:

NM_001007553.3(CSDE1):c.1-1680C>G

Gene: CSDE1 (cold shock domain containing E1; minus strand). Cytogenetic location: 1p13.2.
Variant type: single nucleotide variant.
Coding change: c.1-1680C>G on transcript NM_001007553.3 (MANE Select); 1680 bases into the intron before coding-DNA position 1, C replaced by G.
Molecular consequence: intron variant. On other transcripts: missense variant (2).
Genome position (GRCh38, 1-based): chr1:114,741,570, G>C on the plus strand (C>G on the coding strand, the complement: CSDE1 is on the minus strand). VCF-style: chr1-114741570-G-C. GRCh37 (hg19) VCF-style: chr1-115284191-G-C.
Other names: c.95C>G, p.Ser32Cys (NM_001130523.3, NM_001242891.2); c.1-1680C>G (NM_001242893.2, NM_001242892.2, NM_007158.6); short protein forms S32C.
Identifiers: ClinVar variation 1803344 (VCV001803344.1), dbSNP rs781456472, ClinGen allele CA1021423.
Genomic context (GRCh38, chr1:114,741,570, plus strand): 5'-CTGCTTTCCTGACTTACAGATCTCTGATAAGTTGGGGTCCTCTTTTGTTTTTTAGTCCCA[G>C]ATGAGGTAGAAGATGAAGATAAGGGTAAAGAAAGTGAAGGAGGGGCTGCAGGAGAGGGAT-3'

ClinVar aggregate classification (germline): Uncertain significance (1 of 4 stars; one submission).

Allele frequency attached by ClinVar (database versions not stated): gnomAD exomes below 0.00001; ExAC 0.00004.
gnomAD v4.1: 1 of 1,551,386 alleles (0.000064%); highest among the groups gnomAD compares: Non-Finnish European, 0.000087%; no homozygotes.

Submission:

GeneDx
Classification: Uncertain significance. Last evaluated: 2022-06-09. Review status: criteria provided, single submitter. Criteria: GeneDx Variant Classification Process June 2021. Collection method: clinical testing. Allele origin: germline. Affected: yes.
Comment: In silico analysis supports that this missense variant does not alter protein structure/function; Has not been previously published as pathogenic or benign to our knowledge